The following is an entry in ClinVar:

NM_001352754.2(ARMC9):c.1514A>G (p.Lys505Arg)

Gene: ARMC9 (armadillo repeat containing 9; plus strand). Cytogenetic location: 2q37.1.
Variant type: single nucleotide variant.
Coding change: c.1514A>G on transcript NM_001352754.2 (MANE Select); coding-DNA position 1514, A replaced by G.
Protein change: p.Lys505Arg; replaces lysine 505 with arginine.
Molecular consequence: missense variant. On other transcripts: non-coding transcript variant (1).
Genome position (GRCh38, 1-based): chr2:231,278,421, A>G. VCF-style: chr2-231278421-A-G. GRCh37 (hg19) VCF-style: chr2-232143134-A-G.
Other names: c.1514A>G, p.Lys505Arg (NM_001271466.4, NM_001291656.2, NM_001352755.2 and 3 more transcripts); c.1415A>G, p.Lys472Arg (NM_001352757.2, NM_001352758.2); short protein forms K472R, K505R.
Identifiers: ClinVar variation 1446583 (VCV001446583.6), dbSNP rs144120568, ClinGen allele CA2160361.

ClinVar aggregate classification (germline): Uncertain significance (1 of 4 stars; one submission).

Allele frequency attached by ClinVar (database versions not stated): gnomAD exomes below 0.00001 and 0.00001; ExAC 0.00001; gnomAD 0.00001; TOPMed 0.00001; ESP Exome Variant Server 0.00008.
gnomAD v4.1: 4 of 1,614,022 alleles (0.00025%); highest among the groups gnomAD compares: African/African-American, 0.0027%; no homozygotes.

Submission:

Labcorp Genetics (formerly Invitae), Labcorp
Classification: Uncertain significance. Last evaluated: 2022-07-19. Review status: criteria provided, single submitter. Criteria: Invitae Variant Classification Sherloc (09022015). Collection method: clinical testing. Allele origin: germline.
Comment: In summary, the available evidence is currently insufficient to determine the role of this variant in disease. Therefore, it has been classified as a Variant of Uncertain Significance. Experimental studies and prediction algorithms are not available or were not evaluated, and the functional significance of this variant is currently unknown. ClinVar contains an entry for this variant (Variation ID: 1446583). This variant has not been reported in the literature in individuals affected with ARMC9-related conditions. This variant is present in population databases (rs144120568, gnomAD 0.003%). This sequence change replaces lysine with arginine at codon 505 of the ARMC9 protein (p.Lys505Arg). The lysine residue is highly conserved and there is a small physicochemical difference between lysine and arginine.